The following is an entry in ClinVar:

ClinVar aggregate classification (germline): Likely pathogenic (1 of 4 stars; one submission).

Submission:

Labcorp Genetics (formerly Invitae), Labcorp
Classification: Likely pathogenic. Last evaluated: 2021-04-05. Review status: criteria provided, single submitter. Criteria: Invitae Variant Classification Sherloc (09022015). Collection method: clinical testing. Allele origin: germline.
Comment: This sequence change affects a donor splice site in intron 24 of the CDH23 gene. It is expected to disrupt RNA splicing. Variants that disrupt the donor or acceptor splice site typically lead to a loss of protein function (PMID: 16199547), and loss-of-function variants in CDH23 are known to be pathogenic (PMID: 11138009, 21940737). This variant is not present in population databases (ExAC no frequency). This variant has not been reported in the literature in individuals with CDH23-related conditions. Algorithms developed to predict the effect of sequence changes on RNA splicing suggest that this variant may disrupt the consensus splice site, but this prediction has not been confirmed by published transcriptional studies. In summary, the currently available evidence indicates that the variant is pathogenic, but additional data are needed to prove that conclusively. Therefore, this variant has been classified as Likely Pathogenic.

Literature cited by the submitters: PubMed 16199547; PubMed 11138009; PubMed 21940737.

NM_022124.6(CDH23):c.2733+1G>A

Gene: CDH23 (cadherin related 23; plus strand). Cytogenetic location: 10q22.1.
Variant type: single nucleotide variant.
Coding change: c.2733+1G>A on transcript NM_022124.6 (MANE Select); the canonical splice donor site of the intron after coding-DNA position 2733, G replaced by A.
Molecular consequence: splice donor variant.
Genome position (GRCh38, 1-based): chr10:71,702,695, G>A. VCF-style: chr10-71702695-G-A. GRCh37 (hg19) VCF-style: chr10-73462452-G-A.
Other names: c.2733+1G>A (NM_001171930.2, NM_001171931.2).
Identifiers: ClinVar variation 1525196 (VCV001525196.8), dbSNP rs2132733452, ClinGen allele CA377138619.